The following is an entry in ClinVar:

ClinVar aggregate classification (germline): Pathogenic/Likely pathogenic. Review status: criteria provided, multiple submitters, no conflicts (2 of 4 stars). 13 submissions from 13 submitters: Pathogenic (6); Likely pathogenic (3). 4 of the submissions do not count toward it. Last evaluated 2026-01-14.

Conditions:
PPA2-related disorder. Also called: PPA2-related disorders; PPA2-related condition.
Inborn genetic diseases. Identifiers: MedGen C0950123, MeSH D030342.
Sudden cardiac failure, infantile (SCFI). Identifiers: MedGen C4310664, MONDO:0014973, OMIM 617222.
Sudden cardiac failure, alcohol-induced (SCFAI). Identifiers: MedGen C4310663, MONDO:0014974, OMIM 617223.

Allele frequency attached by ClinVar (database versions not stated): gnomAD exomes 0.00020 and 0.00034; ExAC 0.00025; gnomAD 0.00044; 1000 Genomes Project 30x 0.00047; ESP Exome Variant Server 0.00054; 1000 Genomes Project 0.00060; TOPMed 0.00062.
gnomAD v4.1: 557 of 1,604,770 alleles (0.035%); highest among the groups gnomAD compares: Admixed American, 0.073%; no homozygotes.

Submissions (13):

Labcorp Genetics (formerly Invitae), Labcorp
Classification: Pathogenic. Last evaluated: 2026-01-14. Review status: criteria provided, single submitter. Criteria: Invitae Variant Classification Sherloc (09022015). Collection method: clinical testing. Allele origin: germline.
Comment: This sequence change replaces proline, which is neutral and non-polar, with leucine, which is neutral and non-polar, at codon 228 of the PPA2 protein (p.Pro228Leu). This variant is present in population databases (rs138215926, gnomAD 0.03%). This missense change has been observed in individual(s) with clinical features of PPA2-related conditions (PMID: 27523597). In at least one individual the data is consistent with being in trans (on the opposite chromosome) from a pathogenic variant. It has also been observed to segregate with disease in related individuals. ClinVar contains an entry for this variant (Variation ID: 372226). Invitae Evidence Modeling of protein sequence and biophysical properties (such as structural, functional, and spatial information, amino acid conservation, physicochemical variation, residue mobility, and thermodynamic stability) indicates that this missense variant is expected to disrupt PPA2 protein function with a positive predictive value of 95%. Experimental studies have shown that this missense change affects PPA2 function (PMID: 27523597). For these reasons, this variant has been classified as Pathogenic.

PreventionGenetics, part of Exact Sciences
Classification: Likely pathogenic for PPA2-related condition. Last evaluated: 2025-10-29. Review status: criteria provided, single submitter. Criteria: ACMG Guidelines, 2015. Collection method: clinical testing. Allele origin: germline.
Comment: The PPA2 c.683C>T variant is predicted to result in the amino acid substitution p.Pro228Leu. The variant has been reported in two siblings who were compound heterozygous for the p.Pro228Leu variant and the p.Glu172Lys. Both siblings had sudden cardiac death. Two additional living siblings from the family carried both compound heterozygous variants; cardiac MRI showed marked mid-myocardial fibrosis in both siblings (Kennedy et al. 2016. PubMed ID: 27523597). This variant was also reported in the compound heterozygous or homozygous states in other individuals with cardiac arrest (Graham et al. 2023. PubMed ID: 37249496; Manzanilla-Romero et al. 2023. PubMed ID: 37269378). In many of these cases, minimal ingestion of alcohol preceded the cardiac events, suggesting that these individuals have high sensitivity to alcohol. This variant is reported in 0.034% of alleles in individuals of European (Non-Finnish) descent in gnomAD. In vitro functional characterization showed that the p.Pro228Leu variant had a residual activity of 24%–28% compared to wild-type, indicating that this may be a relatively mild variant (Kennedy et al. 2016. PubMed ID: 27523597). Taken together, we classify this variant as likely pathogenic.

GeneDx
Classification: Pathogenic. Last evaluated: 2025-10-02. Review status: criteria provided, single submitter. Criteria: GeneDx Variant Classification Process June 2021. Collection method: clinical testing. Allele origin: germline. Affected: yes.
Comment: Published functional studies demonstrate this variant has moderately reduced residual enzyme activity (PMID: 27523597); In silico analysis supports that this missense variant has a deleterious effect on protein structure/function; This variant is associated with the following publications: (PMID: 31705601, 27523597, 37249496, 37269378, 37869221, 34400813, 38582264, 30384889, Harris2024[preproof], 38893676, 40846385)

Women's Health and Genetics/Laboratory Corporation of America, LabCorp
Classification: Pathogenic for Sudden cardiac failure, infantile. Last evaluated: 2025-04-01. Review status: criteria provided, single submitter. Criteria: LabCorp Variant Classification Summary - May 2015. Collection method: clinical testing. Allele origin: germline.
Comment: Variant summary: PPA2 c.683C>T (p.Pro228Leu) results in a non-conservative amino acid change in the encoded protein sequence. Five of five in-silico tools predict a damaging effect of the variant on protein function. The variant allele was found at a frequency of 0.0002 in 242474 control chromosomes. This frequency is not significantly higher than estimated for a pathogenic variant in PPA2 causing Sudden Cardiac Failure, Infantile, allowing no conclusion about variant significance. c.683C>T has been reported in the presumed and confirmed compound heterozygous state in the literature in multiple individuals affected with clinical features of PPA2-related conditions (example, Kennedy_2016, Phoon_2020, Graham_2023, Gomez-Gonzalez_2024). These data indicate that the variant is very likely to be associated with disease. At least one publication reports experimental evidence evaluating an impact on protein function. The most pronounced variant effect results in 10%-<30% of normal activity (example, Kennedy_2016). The following publications have been ascertained in the context of this evaluation (PMID: 27523597, 31705601, 30384889, 37249496, 38582264). ClinVar contains an entry for this variant (Variation ID: 372226). Based on the evidence outlined above, the variant was classified as pathogenic.

Blueprint Genetics
Classification: Pathogenic for PPA2-related disorders. Last evaluated: 2024-10-22. Review status: criteria provided, single submitter. Criteria: ACMG Guidelines, 2015. Collection method: clinical testing. Allele origin: germline. Affected: yes. Observed: 5 variant alleles.

Ambry Genetics
Classification: Pathogenic for Inborn genetic diseases. Last evaluated: 2022-04-04. Review status: criteria provided, single submitter. Criteria: Ambry Variant Classification Scheme 2023. Collection method: clinical testing. Allele origin: germline.
Comment: The c.683C>T (p.P228L) alteration is located in exon 8 (coding exon 8) of the PPA2 gene. This alteration results from a C to T substitution at nucleotide position 683, causing the proline (P) at amino acid position 228 to be replaced by a leucine (L). Based on data from gnomAD, the T allele has an overall frequency of 0.02% (58/273840) total alleles studied. The highest observed frequency was 0.03% (43/126958) of European (non-Finnish) alleles. This alteration was identified compound heterozygous with a second PPA2 variant and segregated with disease in several families in which affected individuals presented with acute heart failure or sudden cardiac death (Guimier, 2021; Kennedy, 2016). This amino acid position is highly conserved in available vertebrate species. E. coli strains expressing recombinant protein with the p.P228L variant showed 24-28% residual pyrophosphatase activity compared to wild type protein (Kennedy, 2016). The in silico prediction for this alteration is inconclusive. Based on the available evidence, this alteration is classified as pathogenic.

Revvity Omics, Revvity
Classification: Likely pathogenic. Last evaluated: 2021-05-21. Review status: criteria provided, single submitter. Criteria: ACMG Guidelines, 2015. Collection method: clinical testing. Allele origin: germline.

Victorian Clinical Genetics Services, Murdoch Childrens Research Institute
Classification: Likely pathogenic for Sudden cardiac failure, infantile. Last evaluated: 2021-05-06. Review status: criteria provided, single submitter. Criteria: ACMG Guidelines, 2015. Collection method: clinical testing. Allele origin: germline. Inheritance: Autosomal recessive inheritance.
Comment: Based on the classification scheme VCGS_Germline_v1.3.4, this variant is classified as likely pathogenic. The following criteria are met: 0102 - Loss of function is a known mechanism of disease in this gene and is associated with sudden cardiac failure, alcohol-induced (MIM#617223) and sudden cardiac failure, infantile (MIM#617222). (I) 0106 - This gene is associated with autosomal recessive disease. (I) 0200 - Variant is predicted to result in a missense amino acid change from proline to leucine. (I) 0251 - This variant is heterozygous. (I) 0304 - Variant is present in gnomAD <0.01 for a recessive condition (v3) (66 heterozygotes, 0 homozygotes). (SP) 0502 - Missense variant with conflicting in silico predictions and uninformative conservation. (I) 0600 - Variant is located in the annotated inorganic pyrophosphatase domain (Pfam). (I) 0803 - This variant has limited previous evidence of pathogenicity in one family with four affected offspring with PPA2-related mitochondrial cardiomyopathy and sudden cardiac death. (PMID: 27523597). (SP) 0902 - This variant has moderate evidence for segregation with disease in a single family (PMID: 27523597). (SP) 1002 - This variant has moderate functional evidence supporting abnormal protein function. Pyrophosphatase activity was performed using cells in which this variant was introduced into the wild-type PPA2 sequence. This resulted in a 24%-28% decrease of residual activity of inorganic pyrophosphate substrate compared to wild-type. (PMID: 27523597) (SP) 0705 - No comparable missense variants have previous evidence for pathogenicity. (I) Legend: (SP) - Supporting pathogenic, (I) - Information, (SB) - Supporting benign

Institute for Medical Genetics and Human Genetics, Charité - Universitätsmedizin Berlin
Classification: Pathogenic for Sudden cardiac failure, infantile. Review status: criteria provided, single submitter. Criteria: ACMG Guidelines, 2015. Collection method: not provided. Allele origin: germline. Inheritance: Autosomal recessive inheritance. Affected: yes.

OMIM
Classification: Pathogenic for SUDDEN CARDIAC FAILURE, ALCOHOL-INDUCED (1 family). Last evaluated: 2016-11-23. Review status: no assertion criteria provided. Collection method: literature only. Allele origin: germline. Not counted in ClinVar's aggregate classification.

Clinical Genetics DNA and cytogenetics Diagnostics Lab, Erasmus MC, Erasmus Medical Center
Classification: Likely pathogenic. Review status: no assertion criteria provided. Collection method: clinical testing. Allele origin: germline. Affected: yes. Study: VKGL Data-share Consensus. Not counted in ClinVar's aggregate classification.

Clinical Genetics, Academic Medical Center
Classification: Likely pathogenic. Review status: no assertion criteria provided. Collection method: clinical testing. Allele origin: germline. Affected: yes. Study: VKGL Data-share Consensus. Not counted in ClinVar's aggregate classification.

Genome Diagnostics Laboratory, University Medical Center Utrecht
Classification: Likely pathogenic. Review status: no assertion criteria provided. Collection method: clinical testing. Allele origin: germline. Affected: yes. Study: VKGL Data-share Consensus. Not counted in ClinVar's aggregate classification.

Literature cited by the submitters: PubMed 27523597 (cited by 5 submitters); PubMed 31705601 (cited by Women's Health and Genetics/Laboratory Corporation of America, LabCorp); PubMed 30384889 (cited by Women's Health and Genetics/Laboratory Corporation of America, LabCorp); PubMed 38582264 (cited by Women's Health and Genetics/Laboratory Corporation of America, LabCorp); PubMed 37249496 (cited by Women's Health and Genetics/Laboratory Corporation of America, LabCorp); PubMed 34400813 (cited by Ambry Genetics).

NM_176869.3(PPA2):c.683C>T (p.Pro228Leu)

Gene: PPA2 (inorganic pyrophosphatase 2; minus strand). Cytogenetic location: 4q24.
Variant type: single nucleotide variant.
Coding change: c.683C>T on transcript NM_176869.3 (MANE Select); coding-DNA position 683, C replaced by T.
Protein change: p.Pro228Leu; replaces proline 228 with leucine.
Molecular consequence: missense variant.
Genome position (GRCh38, 1-based): chr4:105,399,137, G>A on the plus strand (C>T on the coding strand, the complement: PPA2 is on the minus strand). VCF-style: chr4-105399137-G-A. GRCh37 (hg19) VCF-style: chr4-106320294-G-A.
Other names: c.596C>T, p.Pro199Leu (NM_006903.4); c.377C>T, p.Pro126Leu (NM_176866.2); c.185C>T, p.Pro62Leu (NM_176867.3); short protein forms P228L, P62L, P126L, P199L.
Identifiers: ClinVar variation 372226 (VCV000372226.30), dbSNP rs138215926, ClinGen allele CA3032450.